The following is an entry in ClinVar:

ClinVar aggregate classification (germline): Uncertain significance (1 of 4 stars; one submission).

Conditions:
Long QT syndrome (LQTS). Identifiers: MedGen C0023976, MeSH D008133, MONDO:0002442. Disease mechanism: loss of function. Inheritance: Various modes of inheritance.

Submission:

Labcorp Genetics (formerly Invitae), Labcorp
Classification: Uncertain significance for Long QT syndrome. Last evaluated: 2019-06-07. Review status: criteria provided, single submitter. Criteria: Invitae Variant Classification Sherloc (09022015). Collection method: clinical testing. Allele origin: germline.
Comment: In summary, the available evidence is currently insufficient to determine the role of this variant in disease. Therefore, it has been classified as a Variant of Uncertain Significance. Algorithms developed to predict the effect of sequence changes on RNA splicing suggest that this variant may create or strengthen a splice site, but this prediction has not been confirmed by published transcriptional studies. Algorithms developed to predict the effect of missense changes on protein structure and function are either unavailable or do not agree on the potential impact of this missense change (SIFT: "Tolerated"; PolyPhen-2: "Possibly Damaging"; Align-GVGD: "Class C0"). This variant has not been reported in the literature in individuals with KCNH2-related conditions. This variant is not present in population databases (ExAC no frequency). This sequence change replaces asparagine with lysine at codon 339 of the KCNH2 protein (p.Asn339Lys). The asparagine residue is weakly conserved and there is a moderate physicochemical difference between asparagine and lysine.

NM_000238.4(KCNH2):c.1017C>G (p.Asn339Lys)

Gene: KCNH2 (potassium voltage-gated channel subfamily H member 2; minus strand). Cytogenetic location: 7q36.1.
Variant type: single nucleotide variant.
Coding change: c.1017C>G on transcript NM_000238.4 (MANE Select); coding-DNA position 1017, C replaced by G.
Protein change: p.Asn339Lys; replaces asparagine 339 with lysine.
Molecular consequence: missense variant.
Genome position (GRCh38, 1-based): chr7:150,957,402, G>C on the plus strand (C>G on the coding strand, the complement: KCNH2 is on the minus strand). VCF-style: chr7-150957402-G-C. GRCh37 (hg19) VCF-style: chr7-150654490-G-C.
Other names: c.729C>G, p.Asn243Lys (NM_001406753.1, NM_001406756.1); c.840C>G, p.Asn280Lys (NM_001406755.1); c.717C>G, p.Asn239Lys (NM_001406757.1); c.1017C>G, p.Asn339Lys (NM_172056.3); short protein forms N339K, N280K, N239K, N243K.
Identifiers: ClinVar variation 942831 (VCV000942831.10), dbSNP rs1801410026, ClinGen allele CA369861644.